The following is an entry in ClinVar:

NM_001197104.2(KMT2A):c.10580G>A (p.Arg3527Gln)

Gene: KMT2A (lysine methyltransferase 2A; plus strand). Cytogenetic location: 11q23.3.
Variant type: single nucleotide variant.
Coding change: c.10580G>A on transcript NM_001197104.2 (MANE Select); coding-DNA position 10580, G replaced by A.
Protein change: p.Arg3527Gln; replaces arginine 3527 with glutamine.
Molecular consequence: missense variant.
Genome position (GRCh38, 1-based): chr11:118,506,472, G>A. VCF-style: chr11-118506472-G-A. GRCh37 (hg19) VCF-style: chr11-118377187-G-A.
Other names: c.10571G>A, p.Arg3524Gln (NM_005933.4); short protein forms R3527Q, R3524Q.
Identifiers: ClinVar variation 285347 (VCV000285347.12), dbSNP rs147844226, ClinGen allele CA6304769.

ClinVar aggregate classification (germline): Conflicting classifications of pathogenicity. Review status: criteria provided, conflicting classifications (1 of 4 stars). 4 submissions from 4 submitters: Uncertain significance (1); Likely benign (3). Last evaluated 2025-10-28.

Conditions:
Inborn genetic diseases. Identifiers: MedGen C0950123, MeSH D030342.

Allele frequency attached by ClinVar (database versions not stated): TOPMed 0.00002.
gnomAD v4.1: 11 of 1,614,020 alleles (0.00068%); highest among the groups gnomAD compares: Admixed American, 0.0083%; no homozygotes.

Submissions (4):

Labcorp Genetics (formerly Invitae), Labcorp
Classification: Uncertain significance. Last evaluated: 2025-10-28. Review status: criteria provided, single submitter. Criteria: Invitae Variant Classification Sherloc (09022015). Collection method: clinical testing. Allele origin: germline.
Comment: This sequence change replaces arginine, which is basic and polar, with glutamine, which is neutral and polar, at codon 3527 of the KMT2A protein (p.Arg3527Gln). This variant is present in population databases (rs147844226, gnomAD 0.01%). This variant has not been reported in the literature in individuals affected with KMT2A-related conditions. ClinVar contains an entry for this variant (Variation ID: 285347). Invitae Evidence Modeling of protein sequence and biophysical properties (such as structural, functional, and spatial information, amino acid conservation, physicochemical variation, residue mobility, and thermodynamic stability) indicates that this missense variant is not expected to disrupt KMT2A protein function with a negative predictive value of 95%. In summary, the available evidence is currently insufficient to determine the role of this variant in disease. Therefore, it has been classified as a Variant of Uncertain Significance.

Ambry Genetics
Classification: Likely benign for Inborn genetic diseases. Last evaluated: 2024-03-19. Review status: criteria provided, single submitter. Criteria: Ambry Variant Classification Scheme 2023. Collection method: clinical testing. Allele origin: germline.

GeneDx
Classification: Likely benign. Last evaluated: 2021-05-24. Review status: criteria provided, single submitter. Criteria: GeneDx Variant Classification Process June 2021. Collection method: clinical testing. Allele origin: germline. Affected: yes.

Eurofins Ntd Llc (ga)
Classification: Likely benign. Last evaluated: 2016-09-14. Review status: criteria provided, single submitter. Criteria: EGL Classification Definitions 2015. Collection method: clinical testing. Allele origin: germline. Observed: 2 variant alleles, 2 heterozygotes.